The following is an entry in ClinVar:

ClinVar aggregate classification (germline): Pathogenic (1 of 4 stars; one submission).

Conditions:
Hereditary spastic paraplegia 47. Also called: adaptor protein 4 (AP-4) deficiency syndrome; CEREBRAL PALSY, SPASTIC QUADRIPLEGIC, 5; Spastic paraplegia 47, autosomal recessive. Identifiers: Orphanet 280763, MedGen C3279738, MONDO:0013551, OMIM 614066.

Submission:

Labcorp Genetics (formerly Invitae), Labcorp
Classification: Pathogenic for Hereditary spastic paraplegia 47. Last evaluated: 2025-05-27. Review status: criteria provided, single submitter. Criteria: Invitae Variant Classification Sherloc (09022015). Collection method: clinical testing. Allele origin: germline.
Comment: This sequence change creates a premature translational stop signal (p.Gly309Valfs*32) in the AP4B1 gene. It is expected to result in an absent or disrupted protein product. Loss-of-function variants in AP4B1 are known to be pathogenic (PMID: 22290197, 24700674, 24781758). This variant is not present in population databases (gnomAD no frequency). This variant has not been reported in the literature in individuals affected with AP4B1-related conditions. ClinVar contains an entry for this variant (Variation ID: 1454422). For these reasons, this variant has been classified as Pathogenic.

Literature cited by the submitters: PubMed 22290197; PubMed 24700674; PubMed 24781758.

NM_001253852.3(AP4B1):c.926del (p.Gly309fs)

Genes: AP4B1 (adaptor related protein complex 4 subunit beta 1; minus strand), AP4B1-AS1 (AP4B1 antisense RNA 1; plus strand). Cytogenetic location: 1p13.2.
Variant type: Deletion.
Coding change: c.926del on transcript NM_001253852.3 (MANE Select); coding-DNA position 926, one base deleted (G; older notation c.926delG).
Protein change: p.Gly309fs; shifts the reading frame from glycine 309.
Molecular consequence: frameshift variant. On other transcripts: non-coding transcript variant (2).
Genome position (GRCh38, 1-based): chr1:113,900,092, C deleted on the plus strand (G on the coding strand, the reverse complement: AP4B1 is on the minus strand); the first of 2 consecutive C bases (chr1:113,900,092-113,900,093); deleting either gives the same sequence. VCF-style (leftmost placement, unchanged base first): chr1-113900091-AC-A. GRCh37 (hg19) VCF-style: chr1-114442713-AC-A.
Other names: c.629del, p.Gly210fs (NM_001253853.3); c.422del, p.Gly141fs (NM_001308312.2); c.926del, p.Gly309fs (NM_006594.5); short protein forms G309fs, G141fs, G210fs.
Identifiers: ClinVar variation 1454422 (VCV001454422.6), dbSNP rs2101025777, ClinGen allele CA2573130937.